The following is an entry in ClinVar:

ClinVar aggregate classification (germline): Conflicting classifications of pathogenicity. Review status: criteria provided, conflicting classifications (1 of 4 stars). 13 submissions from 13 submitters: Uncertain significance (6); Likely benign (6). 1 of the submissions does not count toward it. Last evaluated 2026-02-03.

Conditions:
Hereditary cancer-predisposing syndrome. Also called: Neoplastic Syndromes, Hereditary; Hereditary Cancer Syndrome; Hereditary neoplastic syndrome; Tumor predisposition. Identifiers: Orphanet 140162, MedGen C0027672, MeSH D009386, MONDO:0015356.
Peutz-Jeghers syndrome (PJS). Also called: Peutz-Jeghers polyposis; Periorificial lentiginosis syndrome; POLYPOSIS, HAMARTOMATOUS INTESTINAL; POLYPS-AND-SPOTS SYNDROME. Identifiers: Orphanet 2869, MedGen C0031269, MeSH D010580, MONDO:0008280, OMIM 175200.

Allele frequency attached by ClinVar (database versions not stated): TOPMed 0.00004; gnomAD 0.00005 and 0.00006; gnomAD exomes 0.00005; ExAC 0.00007; ESP Exome Variant Server 0.00008.
gnomAD v4.1: 73 of 1,604,078 alleles (0.0046%); highest among the groups gnomAD compares: African/African-American, 0.015%; no homozygotes.

Submissions (13):

Labcorp Genetics (formerly Invitae), Labcorp
Classification: Likely benign for Peutz-Jeghers syndrome. Last evaluated: 2026-02-03. Review status: criteria provided, single submitter. Criteria: Invitae Variant Classification Sherloc (09022015). Collection method: clinical testing. Allele origin: germline.

Center for Genomic Medicine, Rigshospitalet, Copenhagen University Hospital
Classification: Uncertain significance. Last evaluated: 2025-03-04. Review status: criteria provided, single submitter. Criteria: ACMG Guidelines, 2015. Collection method: clinical testing. Allele origin: germline.

Color Diagnostics, LLC DBA Color Health
Classification: Likely benign for Hereditary cancer-predisposing syndrome. Last evaluated: 2024-09-19. Review status: criteria provided, single submitter. Criteria: ACMG Guidelines, 2015. Collection method: clinical testing. Allele origin: germline.

Department of Pathology and Laboratory Medicine, Sinai Health System
Classification: Likely benign for Peutz-Jeghers syndrome. Last evaluated: 2023-09-05. Review status: criteria provided, single submitter. Criteria: ACMG Guidelines, 2015. Collection method: clinical testing. Allele origin: germline. Affected: yes.

Myriad Genetics, Inc.
Classification: Uncertain significance for Peutz-Jeghers syndrome. Last evaluated: 2023-04-14. Review status: criteria provided, single submitter. Criteria: Myriad Autosomal Dominant, Autosomal Recessive and X-Linked Classification Criteria (2023). Collection method: clinical testing. Allele origin: unknown.
Comment: This variant is classified as a variant of uncertain significance as there is insufficient evidence to determine its impact on protein function and/or cancer risk.

Ambry Genetics
Classification: Likely benign for Hereditary cancer-predisposing syndrome. Last evaluated: 2023-03-02. Review status: criteria provided, single submitter. Criteria: Ambry Variant Classification Scheme 2023. Collection method: clinical testing. Allele origin: germline.

Women's Health and Genetics/Laboratory Corporation of America, LabCorp
Classification: Likely benign. Last evaluated: 2023-01-03. Review status: criteria provided, single submitter. Criteria: LabCorp Variant Classification Summary - May 2015. Collection method: clinical testing. Allele origin: germline.
Comment: Variant summary: STK11 c.992G>A (p.Arg331Gln) results in a conservative amino acid change in the encoded protein sequence. Four of five in-silico tools predict a benign effect of the variant on protein function. The variant allele was found at a frequency of 4.8e-05 in 231544 control chromosomes. The observed variant frequency is approximately 8 fold of the estimated maximal expected allele frequency for a pathogenic variant in STK11 causing Peutz-Jeghers Syndrome phenotype (6.3e-06), strongly suggesting that the variant is benign. c.992G>A has been reported in the literature in individuals affected with colorectal cancer (Yurgelun_2017) and breast and/or ovarian cancer (Krivokuca_2022, and Momozawa_2018); however, authors classified the variant as VUS. These report(s) do not provide unequivocal conclusions about association of the variant with Peutz-Jeghers Syndrome. Co-occurrences with other pathogenic variant(s) have been reported (MLH1 c.1852_1854del, p.K618del), providing supporting evidence for a benign role (Yurgelun_2017). To our knowledge, no experimental evidence demonstrating an impact on protein function has been reported. Ten clinical diagnostic laboratories have submitted clinical-significance assessments for this variant to ClinVar after 2014 and classified the variant as VUS (n=7) and likely benign (n=3). Based on the evidence outlined above, the variant was classified as likely benign.

St. Jude Molecular Pathology, St. Jude Children's Research Hospital
Classification: Uncertain significance for Peutz-Jeghers syndrome. Last evaluated: 2022-12-28. Review status: criteria provided, single submitter. Criteria: St. Jude Assertion Criteria 2020. Collection method: clinical testing. Allele origin: germline.
Comment: The STK11 c.992G>A (p.Arg331Gln) missense change has a maximum subpopulation frequency of 0.0075% in gnomAD v2.1.1. The in silico tool REVEL predicts a benign effect on protein function, but to our knowledge this prediction has not been confirmed by functional studies. This variant has been reported in individuals with breast cancer (PMID: 30287823). In addition, four individuals with this variant are reported in a database of women older than 70 years of age who have never had cancer (FLOSSIES). To our knowledge, this variant has not been reported in individuals with Peutz-Jeghers syndrome. In summary, the evidence currently available is insufficient to determine the clinical significance of this variant. It has therefore been classified as of uncertain significance.

Genome-Nilou Lab
Classification: Uncertain significance for Peutz-Jeghers syndrome. Last evaluated: 2021-07-15. Review status: criteria provided, single submitter. Criteria: ACMG Guidelines, 2015. Collection method: clinical testing. Allele origin: germline. Affected: no.

GeneDx
Classification: Likely benign. Last evaluated: 2021-03-19. Review status: criteria provided, single submitter. Criteria: GeneDx Variant Classification Process June 2021. Collection method: clinical testing. Allele origin: germline. Affected: yes.
Comment: In silico analysis supports that this missense variant does not alter protein structure/function; This variant is associated with the following publications: (PMID: 30287823, 28135145, 29106415)

Quest Diagnostics Nichols Institute San Juan Capistrano
Classification: Uncertain significance. Last evaluated: 2020-08-26. Review status: criteria provided, single submitter. Criteria: Quest Diagnostics criteria. Collection method: clinical testing. Allele origin: unknown.

Mendelics
Classification: Uncertain significance for Peutz-Jeghers syndrome. Last evaluated: 2019-05-28. Review status: criteria provided, single submitter. Criteria: Mendelics Assertion Criteria 2017. Collection method: clinical testing. Allele origin: unknown.

Counsyl
Classification: Uncertain significance for Peutz-Jeghers syndrome. Last evaluated: 2016-03-15. Review status: no assertion criteria provided. Collection method: clinical testing. Allele origin: unknown. Not counted in ClinVar's aggregate classification.

Literature cited by the submitters: PubMed 30287823 (cited by 5 submitters); PubMed 28135145 (cited by 5 submitters); PubMed 34284872 (cited by Department of Pathology and Laboratory Medicine, Sinai Health System and Women's Health and Genetics/Laboratory Corporation of America, LabCorp).

NM_000455.5(STK11):c.992G>A (p.Arg331Gln)

Genes: STK11 (serine/threonine kinase 11; plus strand), LOC130062899 (ATAC-STARR-seq lymphoblastoid active region 13597; plus strand). Cytogenetic location: 19p13.3.
Variant type: single nucleotide variant.
Coding change: c.992G>A on transcript NM_000455.5 (MANE Select); coding-DNA position 992, G replaced by A.
Protein change: p.Arg331Gln; replaces arginine 331 with glutamine.
Molecular consequence: missense variant.
Genome position (GRCh38, 1-based): chr19:1,223,056, G>A. VCF-style: chr19-1223056-G-A. GRCh37 (hg19) VCF-style: chr19-1223055-G-A.
Other names: short protein forms R331Q.
Identifiers: ClinVar variation 141962 (VCV000141962.39), dbSNP rs371264852, ClinGen allele CA023399.